The following is an entry in ClinVar:

NM_014915.3(ANKRD26):c.4039G>C (p.Asp1347His)

Gene: ANKRD26 (ankyrin repeat domain 26; minus strand). Cytogenetic location: 10p12.1.
Variant type: single nucleotide variant.
Coding change: c.4039G>C on transcript NM_014915.3 (MANE Select); coding-DNA position 4039, G replaced by C.
Protein change: p.Asp1347His; replaces aspartic acid 1347 with histidine.
Molecular consequence: missense variant.
Genome position (GRCh38, 1-based): chr10:27,024,493, C>G on the plus strand (G>C on the coding strand, the complement: ANKRD26 is on the minus strand). VCF-style: chr10-27024493-C-G. GRCh37 (hg19) VCF-style: chr10-27313422-C-G.
Other names: c.4036G>C, p.Asp1346His (NM_001256053.2); short protein forms D1346H, D1347H.
Identifiers: ClinVar variation 3252726 (VCV003252726.3), dbSNP rs778966587.

ClinVar aggregate classification (germline): Uncertain significance. Review status: criteria provided, multiple submitters, no conflicts (2 of 4 stars). 3 submissions from 3 submitters: Uncertain significance (3). Last evaluated 2025-09-29.

Conditions:
Inborn genetic diseases. Identifiers: MedGen C0950123, MeSH D030342.

Allele frequency attached by ClinVar (database versions not stated): TOPMed below 0.00001; ExAC 0.00001; gnomAD 0.00001.
gnomAD v4.1: 4 of 1,583,282 alleles (0.00025%); highest among the groups gnomAD compares: East Asian, 0.0023%; no homozygotes.

Submissions (3):

Labcorp Genetics (formerly Invitae), Labcorp
Classification: Uncertain significance. Last evaluated: 2025-09-29. Review status: criteria provided, single submitter. Criteria: Invitae Variant Classification Sherloc (09022015). Collection method: clinical testing. Allele origin: germline.
Comment: This sequence change replaces aspartic acid, which is acidic and polar, with histidine, which is basic and polar, at codon 1347 of the ANKRD26 protein (p.Asp1347His). This variant is present in population databases (rs778966587, gnomAD 0.005%). This variant has not been reported in the literature in individuals affected with ANKRD26-related conditions. ClinVar contains an entry for this variant (Variation ID: 3252726). An algorithm developed to predict the effect of missense changes on protein structure and function (PolyPhen-2) suggests that this variant is likely to be disruptive. In summary, the available evidence is currently insufficient to determine the role of this variant in disease. Therefore, it has been classified as a Variant of Uncertain Significance.

Ambry Genetics
Classification: Uncertain significance for Inborn genetic diseases. Last evaluated: 2024-11-23. Review status: criteria provided, single submitter. Criteria: Ambry Variant Classification Scheme 2023. Collection method: clinical testing. Allele origin: germline.
Comment: The p.D1347H variant (also known as c.4039G>C), located in coding exon 28 of the ANKRD26 gene, results from a G to C substitution at nucleotide position 4039. The aspartic acid at codon 1347 is replaced by histidine, an amino acid with similar properties. This amino acid position is conserved. In addition, this alteration is predicted to be tolerated by in silico analysis. Based on the available evidence, the clinical significance of this variant remains unclear.

GeneDx
Classification: Uncertain significance. Last evaluated: 2023-10-04. Review status: criteria provided, single submitter. Criteria: GeneDx Variant Classification Process June 2021. Collection method: clinical testing. Allele origin: germline. Affected: yes.
Comment: Not observed at significant frequency in large population cohorts (gnomAD); In silico analysis supports that this missense variant has a deleterious effect on protein structure/function; Has not been previously published as pathogenic or benign to our knowledge